The following is an entry in ClinVar:

ClinVar aggregate classification (germline): Uncertain significance. Review status: criteria provided, multiple submitters, no conflicts (2 of 4 stars). 3 submissions from 3 submitters: Uncertain significance (3). Last evaluated 2023-01-08.

Conditions:
Ehlers-Danlos syndrome, kyphoscoliotic type 1 (EDSKSCL1). Also called: Ehlers-Danlos syndrome, hydroxylysine-deficient; EHLERS-DANLOS SYNDROME, OCULAR-SCOLIOTIC TYPE; EHLERS-DANLOS SYNDROME, TYPE VIA; PLOD1-Related Kyphoscoliotic Ehlers-Danlos Syndrome. Identifiers: Orphanet 1900, MedGen C0268342, MONDO:0016002, OMIM 225400. Disease mechanism: loss of function.

Allele frequency attached by ClinVar (database versions not stated): gnomAD exomes 0.00001; TOPMed 0.00001.
gnomAD v4.1: 5 of 1,613,088 alleles (0.00031%); highest among the groups gnomAD compares: East Asian, 0.011%; no homozygotes.

Submissions (3):

Baylor Genetics
Classification: Uncertain significance for Ehlers-Danlos syndrome, kyphoscoliotic type 1. Last evaluated: 2023-01-08. Review status: criteria provided, single submitter. Criteria: ACMG Guidelines, 2015. Collection method: clinical testing. Allele origin: unknown.

Labcorp Genetics (formerly Invitae), Labcorp
Classification: Uncertain significance for Ehlers-Danlos syndrome, kyphoscoliotic type 1. Last evaluated: 2022-04-05. Review status: criteria provided, single submitter. Criteria: Invitae Variant Classification Sherloc (09022015). Collection method: clinical testing. Allele origin: germline.
Comment: This sequence change replaces glutamic acid, which is acidic and polar, with aspartic acid, which is acidic and polar, at codon 335 of the PLOD1 protein (p.Glu335Asp). This variant is present in population databases (no rsID available, gnomAD 0.01%). This variant has not been reported in the literature in individuals affected with PLOD1-related conditions. Algorithms developed to predict the effect of missense changes on protein structure and function (SIFT, PolyPhen-2, Align-GVGD) all suggest that this variant is likely to be tolerated. In summary, the available evidence is currently insufficient to determine the role of this variant in disease. Therefore, it has been classified as a Variant of Uncertain Significance.

Mayo Clinic Laboratories, Mayo Clinic
Classification: Uncertain significance. Last evaluated: 2021-07-23. Review status: criteria provided, single submitter. Criteria: ACMG Guidelines, 2015. Collection method: clinical testing. Allele origin: germline.

NM_000302.4(PLOD1):c.1005G>C (p.Glu335Asp)

Gene: PLOD1 (procollagen-lysine,2-oxoglutarate 5-dioxygenase 1; plus strand). Cytogenetic location: 1p36.22.
Variant type: single nucleotide variant.
Coding change: c.1005G>C on transcript NM_000302.4 (MANE Select); coding-DNA position 1005, G replaced by C.
Protein change: p.Glu335Asp; replaces glutamic acid 335 with aspartic acid.
Molecular consequence: missense variant.
Genome position (GRCh38, 1-based): chr1:11,960,675, G>C. VCF-style: chr1-11960675-G-C. GRCh37 (hg19) VCF-style: chr1-12020732-G-C.
Other names: p.Glu335Asp; c.1146G>C, p.Glu382Asp (NM_001316320.2); short protein forms E335D, E382D.
Identifiers: ClinVar variation 1693812 (VCV001693812.7), dbSNP rs1195535094, ClinGen allele CA338436706.
Genomic context (GRCh38, chr1:11,960,675, plus strand): 5'-CCCGCATCCCCTTCCCCATCCCCAACCCCAGGAGCAGCACCACAAGGCTCAGGTGGAAGA[G>C]TTCCTGGCACAGCATGGCAGCGAGTACCAGTCTGTGAAGCTGGTGGGCCCTGAGGTGCGG-3'
Protein context (NP_000293.2, residues 325-345): HEQHHKAQVE[Glu335Asp]FLAQHGSEYQ